The following is an entry in ClinVar:

NM_000466.3(PEX1):c.643_647del (p.Thr215fs)

Gene: PEX1 (peroxisomal biogenesis factor 1; minus strand). Cytogenetic location: 7q21.2.
Variant type: Deletion.
Coding change: c.643_647del on transcript NM_000466.3 (MANE Select); coding-DNA positions 643 to 647, 5 bases deleted (ACCAA; older notation c.643_647delACCAA).
Protein change: p.Thr215fs; shifts the reading frame from threonine 215.
Molecular consequence: frameshift variant.
Genome position (GRCh38, 1-based): chr7:92,517,868-92,517,872, TTGGT deleted on the plus strand (ACCAA on the coding strand, the reverse complement: PEX1 is on the minus strand); deleting any 5 consecutive bases within chr7:92,517,868-92,517,875 gives the same sequence; the c. name uses the placement nearest the transcript's 3' end. VCF-style (leftmost placement, unchanged base first): chr7-92517867-CTTGGT-C. GRCh37 (hg19) VCF-style: chr7-92147181-CTTGGT-C.
Other names: c.643_647del, p.Thr215fs (NM_001282677.2); c.19_23del, p.Thr7fs (NM_001282678.2); short protein forms T7fs, T215fs.
Identifiers: ClinVar variation 188897 (VCV000188897.16), dbSNP rs786204544, ClinGen allele CA274093.
Genomic context (GRCh38, chr7:92,517,867, plus strand): 5'-TGGAATCTCTGACTCGTTTTCATTAGATTCAGTGATTCCCACAGTATTTGACTGAAGTTG[CTTGGT>C]TTGAAGTTCTTTCATCATTCCTTTCTGGTCTCTTCCATAACTATGAAGTTTTTTATATTC-3'

ClinVar aggregate classification (germline): Pathogenic. Review status: criteria provided, multiple submitters, no conflicts (2 of 4 stars). 6 submissions from 6 submitters: Pathogenic (5). 1 of the submissions does not count toward it. Last evaluated 2025-10-10.

Conditions:
Zellweger spectrum disorders (ZS). Also called: Zellweger Spectrum Disorder; Zellweger Spectrum; Zellweger syndrome; Zellweger Spectrum Disorder (ZSD). Identifiers: Orphanet 912, MedGen C0043459, MONDO:0019609.
PEX1-related disorder. Also called: PEX1-related condition.
Peroxisome biogenesis disorder 1A (Zellweger) (PBD1A). Also called: Zellweger leukodystrophy; Peroxisome biogenesis disorder 1a. Identifiers: MedGen C4721541, MONDO:0008953, OMIM 214100.
Heimler syndrome 1 (HMLR1). Also called: PEROXISOME BIOGENESIS DISORDER 1C. Identifiers: Orphanet 3220, MedGen C4551980, OMIM 234580, MONDO:0024544.
Peroxisome biogenesis disorder 1B (PBD1B). Also called: PEROXISOME BIOGENESIS DISORDER (NEONATAL ADRENOLEUKODYSTROPHY/INFANTILE REFSUM DISEASE); Refsum disease, infantile form; Infantile Refsum disease; Infantile form of phytanic acid storage disease; INFANTILE PHYTANIC ACID STORAGE DISEASE; PEROXISOME BIOGENESIS DISORDER (NALD/IRD). Identifiers: Orphanet 44, MedGen C0282527, MONDO:0011101, OMIM 601539.
Peroxisome biogenesis disorder. Identifiers: Orphanet 79189, MedGen C1832200, MONDO:0019234. Disease mechanism: loss of function.

Submissions (6):

PreventionGenetics, part of Exact Sciences
Classification: Pathogenic for PEX1-related condition. Last evaluated: 2025-10-10. Review status: criteria provided, single submitter. Criteria: ACMG Guidelines, 2015. Collection method: clinical testing. Allele origin: germline.
Comment: The PEX1 c.643_647del5 variant is predicted to result in a frameshift and premature protein termination (p.Thr215Alafs*11). This variant has been reported along with another causative PEX1 variant in an individual with Zellweger syndrome (Yik et al. 2009. PubMed ID: 19105186). This variant is reported in 0.0057% of alleles in individuals of East Asian descent in gnomAD. Frameshift variants in PEX1 are expected to be pathogenic. This variant is interpreted as pathogenic.

Fulgent Genetics
Classification: Pathogenic for Peroxisome biogenesis disorder 1A (Zellweger); Heimler syndrome 1; Peroxisome biogenesis disorder 1B. Last evaluated: 2024-05-04. Review status: criteria provided, single submitter. Criteria: ACMG Guidelines, 2015. Collection method: clinical testing. Allele origin: germline.

Baylor Genetics
Classification: Pathogenic for Heimler syndrome 1. Last evaluated: 2023-02-21. Review status: criteria provided, single submitter. Criteria: ACMG Guidelines, 2015. Collection method: clinical testing. Allele origin: unknown.

Women's Health and Genetics/Laboratory Corporation of America, LabCorp
Classification: Pathogenic for Peroxisome biogenesis disorder. Last evaluated: 2022-06-06. Review status: criteria provided, single submitter. Criteria: LabCorp Variant Classification Summary - May 2015. Collection method: clinical testing. Allele origin: germline.
Comment: Variant summary: PEX1 c.643_647delACCAA (p.Thr215AlafsX11) results in a premature termination codon, predicted to cause a truncation of the encoded protein or absence of the protein due to nonsense mediated decay, which are commonly known mechanisms for disease. Truncations downstream of this position have been classified as pathogenic by our laboratory. The variant allele was found at a frequency of 5.3e-06 in 190114 control chromosomes. c.643_647delACCAA has been reported in the literature in at least one individual affected with Zellweger Syndrome. To our knowledge, no experimental evidence demonstrating an impact on protein function has been reported. One clinical diagnostic laboratory has submitted clinical-significance assessments for this variant to ClinVar after 2014 without evidence for independent evaluation and classified the variant as pathogenic. Based on the evidence outlined above, the variant was classified as pathogenic.

Labcorp Genetics (formerly Invitae), Labcorp
Classification: Pathogenic for Zellweger spectrum disorders. Last evaluated: 2022-04-06. Review status: criteria provided, single submitter. Criteria: Invitae Variant Classification Sherloc (09022015). Collection method: clinical testing. Allele origin: germline.
Comment: ClinVar contains an entry for this variant (Variation ID: 188897). This premature translational stop signal has been observed in individual(s) with PEX1-related conditions (PMID: 19105186). This variant is present in population databases (rs786204544, gnomAD 0.06%). This sequence change creates a premature translational stop signal (p.Thr215Alafs*11) in the PEX1 gene. It is expected to result in an absent or disrupted protein product. Loss-of-function variants in PEX1 are known to be pathogenic (PMID: 9398847, 16086329, 16141001, 21031596, 26387595, 31831025). For these reasons, this variant has been classified as Pathogenic.

Counsyl
Classification: Likely pathogenic for Zellweger syndrome. Last evaluated: 2014-07-24. Review status: no assertion criteria provided. Collection method: literature only. Allele origin: unknown. Inheritance: Autosomal recessive inheritance. Not counted in ClinVar's aggregate classification.

Literature cited by the submitters: PubMed 19105186 (cited by 3 submitters); PubMed 9398847 (cited by Labcorp Genetics (formerly Invitae), Labcorp); PubMed 16086329 (cited by Labcorp Genetics (formerly Invitae), Labcorp); PubMed 16141001 (cited by Labcorp Genetics (formerly Invitae), Labcorp and Counsyl); PubMed 21031596 (cited by Labcorp Genetics (formerly Invitae), Labcorp); PubMed 26387595 (cited by Labcorp Genetics (formerly Invitae), Labcorp); PubMed 31831025 (cited by Labcorp Genetics (formerly Invitae), Labcorp).